The following is an entry in ClinVar:

NM_016239.4(MYO15A):c.170C>A (p.Ser57Ter)

Gene: MYO15A (myosin XVA; plus strand). Cytogenetic location: 17p11.2.
Variant type: single nucleotide variant.
Coding change: c.170C>A on transcript NM_016239.4 (MANE Select); coding-DNA position 170, C replaced by A.
Protein change: p.Ser57Ter; replaces serine 57 with a stop codon.
Molecular consequence: nonsense.
Genome position (GRCh38, 1-based): chr17:18,118,970, C>A. VCF-style: chr17-18118970-C-A. GRCh37 (hg19) VCF-style: chr17-18022284-C-A.
Other names: short protein forms S57*.
Identifiers: ClinVar variation 2808842 (VCV002808842.4), dbSNP rs770052089, ClinGen allele CA8422778.

ClinVar aggregate classification (germline): Pathogenic. Review status: criteria provided, multiple submitters, no conflicts (2 of 4 stars). 2 submissions from 2 submitters: Pathogenic (2). Last evaluated 2023-07-19.

Conditions:
Autosomal recessive nonsyndromic hearing loss 3. Also called: NEUROSENSORY NONSYNDROMIC RECESSIVE DEAFNESS 3. Identifiers: Orphanet 90636, MedGen C1838263, MONDO:0010860, OMIM 600316.

gnomAD v4.1: 3 of 1,613,186 alleles (0.00019%); highest among the groups gnomAD compares: East Asian, 0.0067%; no homozygotes.

Submissions (2):

Labcorp Genetics (formerly Invitae), Labcorp
Classification: Pathogenic. Last evaluated: 2023-07-19. Review status: criteria provided, single submitter. Criteria: Invitae Variant Classification Sherloc (09022015). Collection method: clinical testing. Allele origin: germline.
Comment: For these reasons, this variant has been classified as Pathogenic. This variant has not been reported in the literature in individuals affected with MYO15A-related conditions. This variant is present in population databases (rs770052089, gnomAD 0.01%). This sequence change creates a premature translational stop signal (p.Ser57*) in the MYO15A gene. It is expected to result in an absent or disrupted protein product. Loss-of-function variants in MYO15A are known to be pathogenic (PMID: 17546645).

Clinical Genetics Service, Universitary Hospital 12 de Octubre
Classification: Pathogenic for Autosomal recessive nonsyndromic hearing loss 3. Review status: criteria provided, single submitter. Criteria: ACMG Guidelines, 2015. Collection method: clinical testing. Allele origin: maternal. Affected: yes.

Literature cited by the submitters: PubMed 17546645 (cited by Labcorp Genetics (formerly Invitae), Labcorp).